The following is an entry in ClinVar:

ClinVar aggregate classification (germline): Conflicting classifications of pathogenicity. Review status: criteria provided, conflicting classifications (1 of 4 stars). 4 submissions from 4 submitters: Uncertain significance (2); Likely benign (2). Last evaluated 2025-07-05.

Conditions:
Charcot-Marie-Tooth disease type 2. Also called: Charcot-Marie-Tooth type 2. Identifiers: Orphanet 64746, MedGen C0270914, MONDO:0018993.
Primary dilated cardiomyopathy (DCM). Also called: Dilated Cardiomyopathy. Identifiers: Orphanet 217604, MedGen C0007193, MeSH D002311, MONDO:0005021, HP:0001644. Inheritance: Various modes of inheritance.

Submissions (4):

Labcorp Genetics (formerly Invitae), Labcorp
Classification: Likely benign for Charcot-Marie-Tooth disease type 2. Last evaluated: 2025-07-05. Review status: criteria provided, single submitter. Criteria: Invitae Variant Classification Sherloc (09022015). Collection method: clinical testing. Allele origin: germline.

ARUP Laboratories, Molecular Genetics and Genomics, ARUP Laboratories
Classification: Likely benign. Last evaluated: 2024-08-15. Review status: criteria provided, single submitter. Criteria: ARUP Molecular Germline Variant Investigation Process 2024. Collection method: clinical testing. Allele origin: germline.

All of Us Research Program, National Institutes of Health
Classification: Uncertain significance for Primary dilated cardiomyopathy. Last evaluated: 2023-08-08. Review status: criteria provided, single submitter. Criteria: ACMG Guidelines, 2015. Collection method: clinical testing. Allele origin: germline. Inheritance: Autosomal dominant inheritance. Observed: 1 variant allele, 1 heterozygote.
Comment: This variant is located in the LMNA protein. To our knowledge, functional studies have not been reported for this variant. This variant has not been reported in individuals affected with LMNA-related disorders in the literature. This variant has not been identified in the general population by the Genome Aggregation Database (gnomAD). The available evidence is insufficient to determine the role of this variant in disease conclusively. Therefore, this variant is classified as a Variant of Uncertain Significance.

This study involves interpretation of variants in research participants for the purpose of population health screening. Participant phenotype was not available at the time of variant classification. Additional details can be found in publication PMID: 35346344, PMCID: PMC8962531

Athena Diagnostics
Classification: Uncertain significance. Last evaluated: 2022-07-25. Review status: criteria provided, single submitter. Criteria: Athena Diagnostics Criteria. Collection method: clinical testing. Allele origin: unknown.

NM_170707.4(LMNA):c.807C>G (p.Ala269=)

Gene: LMNA (lamin A/C; plus strand). Cytogenetic location: 1q22.
Variant type: single nucleotide variant.
Coding change: c.807C>G on transcript NM_170707.4 (MANE Select); coding-DNA position 807, C replaced by G.
Protein change: p.Ala269=; no amino-acid change (alanine 269 retained).
Molecular consequence: synonymous variant. On other transcripts: missense variant (4).
Genome position (GRCh38, 1-based): chr1:156,134,972, C>G. VCF-style: chr1-156134972-C-G. GRCh37 (hg19) VCF-style: chr1-156104763-C-G.
Other names: c.471C>G, p.Ala157= (NM_001257374.3, NM_001406989.1, NM_001406998.1); c.564C>G, p.Ala188= (NM_001282624.2, NM_001406986.1, NM_001406987.1); c.807C>G, p.Ala269= (NM_001282625.2, NM_001282626.2, NM_001406983.1 and 6 more transcripts); c.510C>G, p.Ala170= (NM_001406988.1); c.249C>G, p.Ala83= (NM_001406990.1, NM_001406993.1, NM_001406995.1 and 4 more transcripts); c.143C>G, p.Pro48Arg (NM_001406994.1, NM_001406999.1, NM_001407000.1 and 1 more transcripts); short protein forms P48R.
Identifiers: ClinVar variation 1807140 (VCV001807140.4), dbSNP rs1194309507, ClinGen allele CA421068577.